The following is an entry in ClinVar:

ClinVar aggregate classification (germline): Uncertain significance (1 of 4 stars; one submission).

Conditions:
Townes syndrome (TBS). Also called: Townes-Brocks syndrome. Identifiers: Orphanet 857, MedGen C0265246, MeSH C536974, MONDO:0007142.

Allele frequency attached by ClinVar (database versions not stated): gnomAD 0.00001; ExAC 0.00002; TOPMed 0.00003.

Submission:

Labcorp Genetics (formerly Invitae), Labcorp
Classification: Uncertain significance for Townes syndrome. Last evaluated: 2023-01-15. Review status: criteria provided, single submitter. Criteria: Invitae Variant Classification Sherloc (09022015). Collection method: clinical testing. Allele origin: germline.
Comment: This sequence change replaces asparagine, which is neutral and polar, with serine, which is neutral and polar, at codon 1070 of the SALL1 protein (p.Asn1070Ser). This variant is present in population databases (rs781484844, gnomAD 0.005%). This variant has not been reported in the literature in individuals affected with SALL1-related conditions. Algorithms developed to predict the effect of missense changes on protein structure and function (SIFT, PolyPhen-2, Align-GVGD) all suggest that this variant is likely to be tolerated. In summary, the available evidence is currently insufficient to determine the role of this variant in disease. Therefore, it has been classified as a Variant of Uncertain Significance.

NM_002968.3(SALL1):c.3209A>G (p.Asn1070Ser)

Gene: SALL1 (spalt like transcription factor 1; minus strand). Cytogenetic location: 16q12.1.
Variant type: single nucleotide variant.
Coding change: c.3209A>G on transcript NM_002968.3 (MANE Select); coding-DNA position 3209, A replaced by G.
Protein change: p.Asn1070Ser; replaces asparagine 1070 with serine.
Molecular consequence: missense variant.
Genome position (GRCh38, 1-based): chr16:51,139,013, T>C on the plus strand (A>G on the coding strand, the complement: SALL1 is on the minus strand). VCF-style: chr16-51139013-T-C. GRCh37 (hg19) VCF-style: chr16-51172924-T-C.
Other names: c.2918A>G, p.Asn973Ser (NM_001127892.2); short protein forms N973S, N1070S.
Identifiers: ClinVar variation 2745436 (VCV002745436.3), dbSNP rs781484844, ClinGen allele CA8052976.
Genomic context (GRCh38, chr16:51,139,013, plus strand): 5'-TTGACCTCTGTCTTGATGAGAGATGACAACGAGTTGGCGGGAATCACCGCTGAGTTCTGA[T>C]TGGGGCCAAGGTTGGAACTGGGCTCAAAGAGCTGGGATGGCAGATCTCGCATCTGATGTG-3'
Protein context (NP_002959.2, residues 1060-1080): LFEPSSNLGP[Asn1070Ser]QNSAVIPANS